The following is an entry in ClinVar:

NM_152564.5(VPS13B):c.8776AAG[1] (p.Lys2927del)

Gene: VPS13B (vacuolar protein sorting 13 homolog B; plus strand). Cytogenetic location: 8q22.2.
Variant type: Microsatellite.
Coding change: c.8776AAG[1] on transcript NM_152564.5 (MANE Select); one copy of the 3-base unit AAG starting at c.8776; the reference has two copies in a row; one copy, 3 bases deleted.
Protein change: p.Lys2927del; deletes lysine 2927.
Molecular consequence: inframe deletion.
Genome position (GRCh38, 1-based): chr8:99,819,569-99,819,571, AAG deleted; deleting any 3 consecutive bases within chr8:99,819,566-99,819,571 gives the same sequence; the position shown is the placement nearest the transcript's 3' end. VCF-style (leftmost placement, unchanged base first): chr8-99819565-TAAG-T. GRCh37 (hg19) VCF-style: chr8-100831793-TAAG-T.
Other names: c.8854_8856delAAG (NM_017890.4); c.8851AAG[1], p.Lys2952del (NM_017890.5); c.8779_8781delAAG (NM_152564.4); short protein forms K2927del, K2952del.
Identifiers: ClinVar variation 283889 (VCV000283889.17), dbSNP rs549810522, ClinGen allele CA4824543.

ClinVar aggregate classification (germline): Uncertain significance. Review status: criteria provided, multiple submitters, no conflicts (2 of 4 stars). 7 submissions from 7 submitters: Uncertain significance (4). 3 of the submissions do not count toward it. Last evaluated 2022-10-18.

Conditions:
VPS13B-related disorder. Also called: VPS13B-related condition.
Cohen syndrome (COH1). Also called: PEPPER SYNDROME; Cutis verticis gyrata, retinitis pigmentosa, and sensorineural deafness. Identifiers: Orphanet 193, MedGen C0265223, MONDO:0008999, OMIM 216550.

Submissions (7):

Labcorp Genetics (formerly Invitae), Labcorp
Classification: Uncertain significance for Cohen syndrome. Last evaluated: 2022-10-18. Review status: criteria provided, single submitter. Criteria: Invitae Variant Classification Sherloc (09022015). Collection method: clinical testing. Allele origin: germline.
Comment: This variant, c.8854_8856del, results in the deletion of 1 amino acid(s) of the VPS13B protein (p.Lys2952del), but otherwise preserves the integrity of the reading frame. This variant is present in population databases (rs549810522, gnomAD 0.09%), including at least one homozygous and/or hemizygous individual. This variant has not been reported in the literature in individuals affected with VPS13B-related conditions. ClinVar contains an entry for this variant (Variation ID: 283889). Experimental studies and prediction algorithms are not available or were not evaluated, and the functional significance of this variant is currently unknown. In summary, the available evidence is currently insufficient to determine the role of this variant in disease. Therefore, it has been classified as a Variant of Uncertain Significance.

Revvity Omics, Revvity
Classification: Uncertain significance for Cohen syndrome. Last evaluated: 2022-05-12. Review status: criteria provided, single submitter. Criteria: ACMG Guidelines, 2015. Collection method: clinical testing. Allele origin: germline.

GeneDx
Classification: Uncertain significance. Last evaluated: 2021-07-27. Review status: criteria provided, single submitter. Criteria: GeneDx Variant Classification Process June 2021. Collection method: clinical testing. Allele origin: germline. Affected: yes.
Comment: In-frame deletion of one amino acid in a non-repeat region; In silico analysis, which includes protein predictors and evolutionary conservation, supports a deleterious effect; Has not been previously published as pathogenic or benign to our knowledge

Eurofins Ntd Llc (ga)
Classification: Uncertain significance. Last evaluated: 2015-10-19. Review status: criteria provided, single submitter. Criteria: EGL Classification Definitions 2015. Collection method: clinical testing. Allele origin: germline. Observed: 1 variant allele, 1 heterozygote.

PreventionGenetics, part of Exact Sciences
Classification: Uncertain significance for VPS13B-related condition. Last evaluated: 2024-06-18. Review status: no assertion criteria provided. Collection method: clinical testing. Allele origin: germline. Not counted in ClinVar's aggregate classification.
Comment: The VPS13B c.8779_8781delAAG variant is predicted to result in an in-frame deletion (p.Lys2927del). To our knowledge, this variant has not been reported in the literature. This variant is reported in 0.092% of alleles in individuals of South Asian descent in gnomAD, which is likely too common for an undocumented disease-causing variant. Although we suspect that this variant may be benign, at this time, the clinical significance of this variant is uncertain due to the absence of conclusive functional and genetic evidence.

Natera, Inc.
Classification: Benign for Cohen syndrome. Last evaluated: 2020-04-16. Review status: no assertion criteria provided. Collection method: clinical testing. Allele origin: germline. Not counted in ClinVar's aggregate classification.

Counsyl
Classification: Uncertain significance for Cohen syndrome. Last evaluated: 2018-01-02. Review status: no assertion criteria provided. Collection method: clinical testing. Allele origin: unknown. Not counted in ClinVar's aggregate classification.